The following is an entry in ClinVar:

NM_003931.3(WASF1):c.545A>G (p.Lys182Arg)

Gene: WASF1 (WASP family member 1; minus strand). Cytogenetic location: 6q21.
Variant type: single nucleotide variant.
Coding change: c.545A>G on transcript NM_003931.3 (MANE Select); coding-DNA position 545, A replaced by G.
Protein change: p.Lys182Arg; replaces lysine 182 with arginine.
Molecular consequence: missense variant.
Genome position (GRCh38, 1-based): chr6:110,105,575, T>C on the plus strand (A>G on the coding strand, the complement: WASF1 is on the minus strand). VCF-style: chr6-110105575-T-C. GRCh37 (hg19) VCF-style: chr6-110426778-T-C.
Other names: c.545A>G, p.Lys182Arg (NM_001024934.2, NM_001024935.2, NM_001024936.2); short protein forms K182R.
Identifiers: ClinVar variation 3384500 (VCV003384500.1).

ClinVar aggregate classification (germline): Uncertain significance (1 of 4 stars; one submission).

Submission:

GeneDx
Classification: Uncertain significance. Last evaluated: 2024-06-03. Review status: criteria provided, single submitter. Criteria: GeneDx Variant Classification Process June 2021. Collection method: clinical testing. Allele origin: germline. Affected: yes.
Comment: Not observed at significant frequency in large population cohorts (gnomAD); In silico analysis indicates that this missense variant does not alter protein structure/function; Has not been previously published as pathogenic or benign to our knowledge